The following is an entry in ClinVar:

ClinVar aggregate classification (germline): Uncertain significance (1 of 4 stars; one submission).

Allele frequency attached by ClinVar (database versions not stated): gnomAD exomes below 0.00001 and 0.00001; ExAC 0.00001; gnomAD 0.00001; TOPMed 0.00001.

Submission:

Labcorp Genetics (formerly Invitae), Labcorp
Classification: Uncertain significance. Last evaluated: 2021-09-26. Review status: criteria provided, single submitter. Criteria: Invitae Variant Classification Sherloc (09022015). Collection method: clinical testing. Allele origin: germline.
Comment: This variant has not been reported in the literature in individuals affected with PALM-related conditions. This variant is present in population databases (rs774675588, ExAC 0.002%). This sequence change replaces glutamine with glutamic acid at codon 140 of the PALM protein (p.Gln140Glu). The glutamine residue is moderately conserved and there is a small physicochemical difference between glutamine and glutamic acid. Algorithms developed to predict the effect of missense changes on protein structure and function (SIFT, PolyPhen-2, Align-GVGD) all suggest that this variant is likely to be tolerated. In summary, the available evidence is currently insufficient to determine the role of this variant in disease. Therefore, it has been classified as a Variant of Uncertain Significance.

NM_002579.3(PALM):c.418C>G (p.Gln140Glu)

Gene: PALM (paralemmin; plus strand). Cytogenetic location: 19p13.3.
Variant type: single nucleotide variant.
Coding change: c.418C>G on transcript NM_002579.3 (MANE Select); coding-DNA position 418, C replaced by G.
Protein change: p.Gln140Glu; replaces glutamine 140 with glutamic acid.
Molecular consequence: missense variant.
Genome position (GRCh38, 1-based): chr19:731,243, C>G. VCF-style: chr19-731243-C-G. GRCh37 (hg19) VCF-style: chr19-731243-C-G.
Other names: c.418C>G, p.Gln140Glu (NM_001040134.2); short protein forms Q140E.
Identifiers: ClinVar variation 1485237 (VCV001485237.6), dbSNP rs774675588, ClinGen allele CA9022552.
Genomic context (GRCh38, chr19:731,243, plus strand): 5'-GCCCCAGCCCCGAGTCCAGCCAAGGAGGAGCGCAAGACAGAGGTGGTGATGAATTCACAG[C>G]AGGTAAGGGGGTGACTGGGGGGAGCGGATCCCCAGGCACCCACTCCCGCTGGCCCCAGAG-3'
Protein context (NP_002570.2, residues 130-150): RKTEVVMNSQ[Gln140Glu]TPVGTPKDKR